The following is an entry in ClinVar:

ClinVar aggregate classification (germline): Uncertain significance. Review status: criteria provided, multiple submitters, no conflicts (2 of 4 stars). 2 submissions from 2 submitters: Uncertain significance (2). Last evaluated 2024-10-07.

Conditions:
Heart defect - tongue hamartoma - polysyndactyly syndrome. Also called: Congenital heart defects, hamartomas of tongue, and polysyndactyly. Identifiers: Orphanet 1338, MedGen C1857587, MONDO:0009008, OMIM 217085.
Bardet-Biedl syndrome 15 (BBS15). Identifiers: Orphanet 110, MedGen C3150127, MONDO:0014443, OMIM 615992.
Bardet-Biedl syndrome (BBS). Identifiers: Orphanet 110, MedGen C0752166, MONDO:0015229.

Allele frequency attached by ClinVar (database versions not stated): TOPMed below 0.00001; gnomAD 0.00001; gnomAD exomes 0.00001; ExAC 0.00002.
gnomAD v4.1: 4 of 1,613,564 alleles (0.00025%); highest among the groups gnomAD compares: Non-Finnish European, 0.00034%; no homozygotes.

Submissions (2):

Labcorp Genetics (formerly Invitae), Labcorp
Classification: Uncertain significance for Bardet-Biedl syndrome. Last evaluated: 2024-10-07. Review status: criteria provided, single submitter. Criteria: Invitae Variant Classification Sherloc (09022015). Collection method: clinical testing. Allele origin: germline.
Comment: This sequence change replaces isoleucine, which is neutral and non-polar, with valine, which is neutral and non-polar, at codon 318 of the WDPCP protein (p.Ile318Val). This variant is present in population databases (rs747114578, gnomAD 0.002%). This variant has not been reported in the literature in individuals affected with WDPCP-related conditions. ClinVar contains an entry for this variant (Variation ID: 1478463). Invitae Evidence Modeling of protein sequence and biophysical properties (such as structural, functional, and spatial information, amino acid conservation, physicochemical variation, residue mobility, and thermodynamic stability) indicates that this missense variant is not expected to disrupt WDPCP protein function with a negative predictive value of 80%. In summary, the available evidence is currently insufficient to determine the role of this variant in disease. Therefore, it has been classified as a Variant of Uncertain Significance.

Fulgent Genetics
Classification: Uncertain significance for Heart defect - tongue hamartoma - polysyndactyly syndrome; Bardet-Biedl syndrome 15. Last evaluated: 2021-08-19. Review status: criteria provided, single submitter. Criteria: ACMG Guidelines, 2015. Collection method: clinical testing. Allele origin: unknown.

NM_015910.7(WDPCP):c.952A>G (p.Ile318Val)

Gene: WDPCP (WD repeat containing planar cell polarity effector; minus strand). Cytogenetic location: 2p15.
Variant type: single nucleotide variant.
Coding change: c.952A>G on transcript NM_015910.7 (MANE Select); coding-DNA position 952, A replaced by G.
Protein change: p.Ile318Val; replaces isoleucine 318 with valine.
Molecular consequence: missense variant. On other transcripts: non-coding transcript variant (3).
Genome position (GRCh38, 1-based): chr2:63,404,531, T>C on the plus strand (A>G on the coding strand, the complement: WDPCP is on the minus strand). VCF-style: chr2-63404531-T-C. GRCh37 (hg19) VCF-style: chr2-63631666-T-C.
Other names: c.475A>G, p.Ile159Val (NM_001042692.3); c.880A>G, p.Ile294Val (NM_001354044.2); c.952A>G, p.Ile318Val (NM_001354045.2); short protein forms I294V, I159V, I318V.
Identifiers: ClinVar variation 1478463 (VCV001478463.7), dbSNP rs747114578, ClinGen allele CA1682305.